The following is an entry in ClinVar:

ClinVar aggregate classification (germline): Uncertain significance (1 of 4 stars; one submission).

Submission:

Labcorp Genetics (formerly Invitae), Labcorp
Classification: Uncertain significance. Last evaluated: 2025-11-21. Review status: criteria provided, single submitter. Criteria: Invitae Variant Classification Sherloc (09022015). Collection method: clinical testing. Allele origin: germline.
Comment: This variant results in the deletion of part of exon 18 (c.2425_2431+15del) of the PRPF6 gene. It is expected to disrupt RNA splicing. Variants that disrupt the donor or acceptor splice site typically lead to a loss of protein function (PMID: 16199547), however the current clinical and genetic evidence is not sufficient to establish whether loss-of-function variants in PRPF6 cause disease. This variant is not present in population databases (gnomAD no frequency). This variant has not been reported in the literature in individuals affected with PRPF6-related conditions. In summary, the available evidence is currently insufficient to determine the role of this variant in disease. Therefore, it has been classified as a Variant of Uncertain Significance.

Literature cited by the submitters: PubMed 16199547.

NM_012469.4(PRPF6):c.2425_2431+15del

Gene: PRPF6 (pre-mRNA processing factor 6; plus strand). Cytogenetic location: 20q13.33.
Variant type: Deletion.
Coding change: c.2425_2431+15del on transcript NM_012469.4 (MANE Select); coding-DNA position 2425 through 15 bases into the intron after coding-DNA position 2431, 22 bases deleted (AACTCCGGTAAGGGGGTGCCCC).
Molecular consequence: splice donor variant.
Genome position (GRCh38, 1-based): chr20:64,028,563-64,028,584, AACTCCGGTAAGGGGGTGCCCC deleted; deleting any 22 consecutive bases within chr20:64,028,556-64,028,584 gives the same sequence; the c. name uses the placement nearest the transcript's 3' end. VCF-style (leftmost placement, unchanged base first): chr20-64028555-AGTGCCCCAACTCCGGTAAGGGG-A. GRCh37 (hg19) VCF-style: chr20-62659908-AGTGCCCCAACTCCGGTAAGGGG-A.
Identifiers: ClinVar variation 4781054 (VCV004781054.1).
Genomic context (GRCh38, chr20:64,028,555, plus strand): 5'-TGGAGTACCGTGCGGGGCTGAAGAACATCGCAAATACACTCATGGCCAAGGCGCTGCAGG[AGTGCCCCAACTCCGGTAAGGGG>A]GTGCCCCGACTCCGGTAAGGGGGTGCCCTGACTCCGGTAAGGGGGTGCCTTGACTCCGGT-3'